The following is an entry in ClinVar:

NM_173560.4(RFX6):c.788C>T (p.Thr263Met)

Gene: RFX6 (regulatory factor X6; plus strand). Cytogenetic location: 6q22.1.
Variant type: single nucleotide variant.
Coding change: c.788C>T on transcript NM_173560.4 (MANE Select); coding-DNA position 788, C replaced by T.
Protein change: p.Thr263Met; replaces threonine 263 with methionine.
Molecular consequence: missense variant.
Genome position (GRCh38, 1-based): chr6:116,916,015, C>T. VCF-style: chr6-116916015-C-T. GRCh37 (hg19) VCF-style: chr6-117237178-C-T.
Other names: short protein forms T263M.
Identifiers: ClinVar variation 2663636 (VCV002663636.1), dbSNP rs931311046, ClinGen allele CA145968292.

ClinVar aggregate classification (germline): Uncertain significance (1 of 4 stars; one submission).

Allele frequency attached by ClinVar (database versions not stated): TOPMed below 0.00001.

Submission:

GeneDx
Classification: Uncertain significance. Last evaluated: 2023-04-24. Review status: criteria provided, single submitter. Criteria: GeneDx Variant Classification Process June 2021. Collection method: clinical testing. Allele origin: germline. Affected: yes.
Comment: Not observed at significant frequency in large population cohorts (gnomAD); In silico analysis supports that this missense variant has a deleterious effect on protein structure/function; Has not been previously published as pathogenic or benign to our knowledge